The following is an entry in ClinVar:

NM_021120.4(DLG3):c.535G>C (p.Val179Leu)

Gene: DLG3 (discs large MAGUK scaffold protein 3; plus strand). Cytogenetic location: Xq13.1.
Variant type: single nucleotide variant.
Coding change: c.535G>C on transcript NM_021120.4 (MANE Select); coding-DNA position 535, G replaced by C.
Protein change: p.Val179Leu; replaces valine 179 with leucine.
Molecular consequence: missense variant.
Genome position (GRCh38, 1-based): chrX:70,449,691, G>C. VCF-style: chrX-70449691-G-C. GRCh37 (hg19) VCF-style: chrX-69669541-G-C.
Other names: short protein forms V179L.
Identifiers: ClinVar variation 1021067 (VCV001021067.8), dbSNP rs765570953, ClinGen allele CA413492151.

ClinVar aggregate classification (germline): Uncertain significance (1 of 4 stars; one submission).

Submission:

Labcorp Genetics (formerly Invitae), Labcorp
Classification: Uncertain significance. Last evaluated: 2020-03-05. Review status: criteria provided, single submitter. Criteria: Invitae Variant Classification Sherloc (09022015). Collection method: clinical testing. Allele origin: germline.
Comment: Algorithms developed to predict the effect of missense changes on protein structure and function are either unavailable or do not agree on the potential impact of this missense change (SIFT: "Deleterious"; PolyPhen-2: "Benign"; Align-GVGD: "Class C0"). In summary, the available evidence is currently insufficient to determine the role of this variant in disease. Therefore, it has been classified as a Variant of Uncertain Significance. This variant has not been reported in the literature in individuals with DLG3-related conditions. This variant is not present in population databases (ExAC no frequency). This sequence change replaces valine with leucine at codon 179 of the DLG3 protein (p.Val179Leu). The valine residue is highly conserved and there is a small physicochemical difference between valine and leucine.